The following is an entry in ClinVar:

ClinVar aggregate classification (germline): Pathogenic (1 of 4 stars; one submission).

Allele frequency attached by ClinVar (database versions not stated): TOPMed below 0.00001.

Submission:

Labcorp Genetics (formerly Invitae), Labcorp
Classification: Pathogenic. Last evaluated: 2023-12-28. Review status: criteria provided, single submitter. Criteria: Invitae Variant Classification Sherloc (09022015). Collection method: clinical testing. Allele origin: germline.
Comment: This sequence change creates a premature translational stop signal (p.Arg368Valfs*14) in the ITGA6 gene. It is expected to result in an absent or disrupted protein product. Loss-of-function variants in ITGA6 are known to be pathogenic (PMID: 9158140, 9185503, 9804362, 27607025). This variant is not present in population databases (gnomAD no frequency). This variant has not been reported in the literature in individuals affected with ITGA6-related conditions. Algorithms developed to predict the effect of sequence changes on RNA splicing suggest that this variant may disrupt the consensus splice site. For these reasons, this variant has been classified as Pathogenic.

Literature cited by the submitters: PubMed 9158140; PubMed 9185503; PubMed 9804362; PubMed 27607025.

NM_000210.4(ITGA6):c.1102del (p.Arg368fs)

Genes: ITGA6 (integrin subunit alpha 6; plus strand), PDK1-AS1 (PDK1 and ITGA6 antisense RNA 1; minus strand). Cytogenetic location: 2q31.1.
Variant type: Deletion.
Coding change: c.1102del on transcript NM_000210.4 (MANE Select); coding-DNA position 1102, one base deleted (C; older notation c.1102delC).
Protein change: p.Arg368fs; shifts the reading frame from arginine 368.
Molecular consequence: frameshift variant.
Genome position (GRCh38, 1-based): chr2:172,475,044, C deleted. VCF-style (leftmost placement, unchanged base first): chr2-172475043-TC-T. GRCh37 (hg19) VCF-style: chr2-173339771-TC-T.
Other names: c.1102del, p.Arg368fs (NM_001079818.3, NM_001365529.2, NM_001365530.2); c.745del, p.Arg249fs (NM_001316306.2); c.1219del, p.Arg407fs (NM_001394928.1); short protein forms R368fs, R407fs, R249fs.
Identifiers: ClinVar variation 2706237 (VCV002706237.3), dbSNP rs1686109678, ClinGen allele CA1307823400.
Genomic context (GRCh38, chr2:172,475,043, plus strand): 5'-TGGAGGTGCAGTGTATGTCTACATGAACCAGCAAGGCAGATGGAATAATGTGAAGCCAAT[TC>T]GTCTTAATGGAACCAAAGATTCTATGTTTGGCATTGCAGTAAAAAATATTGGAGATATTA-3'